The following is an entry in ClinVar:

ClinVar aggregate classification (germline): Uncertain significance (1 of 4 stars; one submission).

Conditions:
Inborn genetic diseases. Identifiers: MedGen C0950123, MeSH D030342.

Submission:

Ambry Genetics
Classification: Uncertain significance for Inborn genetic diseases. Last evaluated: 2025-10-09. Review status: criteria provided, single submitter. Criteria: Ambry Variant Classification Scheme 2023. Collection method: clinical testing. Allele origin: germline.
Comment: The p.E365Q variant (also known as c.1093G>C), located in coding exon 9 of the FANCG gene, results from a G to C substitution at nucleotide position 1093. The glutamic acid at codon 365 is replaced by glutamine, an amino acid with highly similar properties. This amino acid position is conserved. In addition, this alteration is predicted to be tolerated by in silico analysis. Based on the available evidence, the clinical significance of this variant remains unclear.

NM_004629.2(FANCG):c.1093G>C (p.Glu365Gln)

Gene: FANCG (FA complementation group G; minus strand). Cytogenetic location: 9p13.3.
Variant type: single nucleotide variant.
Coding change: c.1093G>C on transcript NM_004629.2 (MANE Select); coding-DNA position 1093, G replaced by C.
Protein change: p.Glu365Gln; replaces glutamic acid 365 with glutamine.
Molecular consequence: missense variant.
Genome position (GRCh38, 1-based): chr9:35,076,012, C>G on the plus strand (G>C on the coding strand, the complement: FANCG is on the minus strand). VCF-style: chr9-35076012-C-G. GRCh37 (hg19) VCF-style: chr9-35076009-C-G.
Other names: short protein forms E365Q.
Identifiers: ClinVar variation 4619364 (VCV004619364.1).